The following is an entry in ClinVar:

ClinVar aggregate classification (germline): Uncertain significance. Review status: criteria provided, multiple submitters, no conflicts (2 of 4 stars). 2 submissions from 2 submitters: Uncertain significance (2). Last evaluated 2026-01-18.

Conditions:
Ataxia-telangiectasia syndrome (AT). Also called: Ataxia-telangiectasia, complementation group D; AT, COMPLEMENTATION GROUP C; ATAXIA-TELANGIECTASIA, COMPLEMENTATION GROUP A; ATAXIA-TELANGIECTASIA, FRESNO VARIANT; Ataxia-telangiectasia; LOUIS-BAR SYNDROME. Identifiers: Orphanet 100, MedGen C0004135, MONDO:0008840, OMIM 208900.

Submissions (2):

Labcorp Genetics (formerly Invitae), Labcorp
Classification: Uncertain significance for Ataxia-telangiectasia syndrome. Last evaluated: 2026-01-18. Review status: criteria provided, single submitter. Criteria: Invitae Variant Classification Sherloc (09022015). Collection method: clinical testing. Allele origin: germline.
Comment: This sequence change replaces glycine, which is neutral and non-polar, with alanine, which is neutral and non-polar, at codon 2695 of the ATM protein (p.Gly2695Ala). This variant is not present in population databases (gnomAD no frequency). This variant has not been reported in the literature in individuals affected with ATM-related conditions. ClinVar contains an entry for this variant (Variation ID: 636708). Invitae Evidence Modeling of protein sequence and biophysical properties (such as structural, functional, and spatial information, amino acid conservation, physicochemical variation, residue mobility, and thermodynamic stability) indicates that this missense variant is expected to disrupt ATM protein function with a positive predictive value of 95%. In summary, the available evidence is currently insufficient to determine the role of this variant in disease. Therefore, it has been classified as a Variant of Uncertain Significance.

Blueprint Genetics
Classification: Uncertain significance. Last evaluated: 2018-07-05. Review status: criteria provided, single submitter. Criteria: ACMG Guidelines, 2015. Collection method: clinical testing. Allele origin: germline.

NM_000051.4(ATM):c.8084G>C (p.Gly2695Ala)

Genes: ATM (ATM serine/threonine kinase; plus strand), C11orf65 (chromosome 11 open reading frame 65; minus strand). Cytogenetic location: 11q22.3.
Variant type: single nucleotide variant.
Coding change: c.8084G>C on transcript NM_000051.4 (MANE Select); coding-DNA position 8084, G replaced by C.
Protein change: p.Gly2695Ala; replaces glycine 2695 with alanine.
Molecular consequence: missense variant. On other transcripts: intron variant (2).
Genome position (GRCh38, 1-based): chr11:108,335,042, G>C. VCF-style: chr11-108335042-G-C. GRCh37 (hg19) VCF-style: chr11-108205769-G-C.
Other names: c.8084G>C, p.Gly2695Ala (NM_001351834.2); c.641-25971C>G (NM_001330368.2); c.*38+178C>G (NM_001351110.2); short protein forms G2695A.
Identifiers: ClinVar variation 636708 (VCV000636708.13), dbSNP rs1060501680, ClinGen allele CA382562039.